The following is an entry in ClinVar:

ClinVar aggregate classification (germline): Uncertain significance (1 of 4 stars; one submission).

Conditions:
Familial thoracic aortic aneurysm and aortic dissection (TAAD). Also called: Thoracic aortic aneurysms and dissections. Identifiers: Orphanet 91387, MedGen C4707243, MONDO:0019625.

Submission:

Ambry Genetics
Classification: Uncertain significance for Familial thoracic aortic aneurysm and aortic dissection. Last evaluated: 2026-06-27. Review status: criteria provided, single submitter. Criteria: Ambry Variant Classification Scheme 2023. Collection method: clinical testing. Allele origin: germline.
Comment: The p.A40E variant (also known as c.119C>A), located in coding exon 1 of the SKI gene, results from a C to A substitution at nucleotide position 119. The alanine at codon 40 is replaced by glutamic acid, an amino acid with dissimilar properties. This amino acid position is conserved. In addition, this alteration is predicted to be deleterious by in silico analysis. Based on the available evidence, the clinical significance of this variant remains unclear.

NM_003036.4(SKI):c.119C>A (p.Ala40Glu)

Gene: SKI (SKI proto-oncogene; plus strand). Cytogenetic location: 1p36.33.
Variant type: single nucleotide variant.
Coding change: c.119C>A on transcript NM_003036.4 (MANE Select); coding-DNA position 119, C replaced by A.
Protein change: p.Ala40Glu; replaces alanine 40 with glutamic acid.
Molecular consequence: missense variant.
Genome position (GRCh38, 1-based): chr1:2,228,885, C>A. VCF-style: chr1-2228885-C-A. GRCh37 (hg19) VCF-style: chr1-2160324-C-A.
Other names: short protein forms A40E.
Identifiers: ClinVar variation 5029576 (VCV005029576.1).